The following is an entry in ClinVar:

NM_001281740.3(FHOD3):c.3976G>A (p.Val1326Ile)

Gene: FHOD3 (formin homology 2 domain containing 3; plus strand). Cytogenetic location: 18q12.2.
Variant type: single nucleotide variant.
Coding change: c.3976G>A on transcript NM_001281740.3 (MANE Select); coding-DNA position 3976, G replaced by A.
Protein change: p.Val1326Ile; replaces valine 1326 with isoleucine.
Molecular consequence: missense variant.
Genome position (GRCh38, 1-based): chr18:36,744,128, G>A. VCF-style: chr18-36744128-G-A. GRCh37 (hg19) VCF-style: chr18-34324091-G-A.
Other names: NC_000018.9:g.34324091G>A; c.3400G>A, p.Val1134Ile (NM_001281739.3); c.3451G>A, p.Val1151Ile (NM_025135.5); short protein forms V1134I, V1151I, V1326I.
Identifiers: ClinVar variation 1242732 (VCV001242732.6), dbSNP rs2303510, ClinGen allele CA8942237.
Genomic context (GRCh38, chr18:36,744,128, plus strand): 5'-CCAGAAGTCAAAGACACAGTGCACAAGCAGTCGCTTCTCCACCATGTGTGCACCATGGTG[G>A]TAGAAAACTTCCCAGACAGCTCCGATCTGTACTCGGAGATCGGGGCCATCACCAGGTCAG-3'
Protein context (NP_001268669.1, residues 1316-1336): SLLHHVCTMV[Val1326Ile]ENFPDSSDLY

ClinVar aggregate classification (germline): Benign. Review status: criteria provided, multiple submitters, no conflicts (2 of 4 stars). 4 submissions from 4 submitters: Benign (4). Last evaluated 2025-04-09.

Allele frequency attached by ClinVar (database versions not stated): gnomAD exomes 0.32929 and 0.34190; ExAC 0.34153; gnomAD 0.34469 and 0.34719; TOPMed 0.35429; ESP Exome Variant Server 0.35545; 1000 Genomes Project 0.37620; 1000 Genomes Project 30x 0.37883.
gnomAD v4.1: 534,444 of 1,613,702 alleles (33%); highest among the groups gnomAD compares: South Asian, 44%; 90,121 homozygotes.

Submissions (5):

Molecular Diagnostic Laboratory for Inherited Cardiovascular Disease, Montreal Heart Institute
Classification: Benign. Last evaluated: 2025-04-09. Review status: criteria provided, single submitter. Criteria: ACMG Guidelines, 2015. Collection method: clinical testing. Allele origin: germline. Affected: no.

Blueprint Genetics
Classification: Benign. Last evaluated: 2024-11-28. Review status: criteria provided, single submitter. Criteria: ACMG Guidelines, 2015. Collection method: clinical testing. Allele origin: germline.

GeneDx
Classification: Benign. Last evaluated: 2019-07-30. Review status: criteria provided, single submitter. Criteria: GeneDx Variant Classification Process June 2021. Collection method: clinical testing. Allele origin: germline. Affected: yes.
Comment: This variant is associated with the following publications: (PMID: 28296976, 23255317)

Breakthrough Genomics
Classification: Benign. Review status: criteria provided, single submitter. Criteria: ACMG Guidelines, 2015. Collection method: not provided. Allele origin: germline. Inheritance: Autosomal dominant inheritance. Affected: yes.

Dr. Peter K. Rogan Lab, Western University
No classification provided (evidence only). Condition: Pancreatic adenocarcinoma. Review status: no classification provided. Collection method: in vitro. Allele origin: not applicable. Functional consequence: skipped exon. Not counted in ClinVar's aggregate classification.